The following is an entry in ClinVar:

ClinVar aggregate classification (germline): Uncertain significance. Review status: criteria provided, multiple submitters, no conflicts (2 of 4 stars). 2 submissions from 2 submitters: Uncertain significance (2). Last evaluated 2025-11-18.

Conditions:
Familial melanoma. Also called: Hereditary melanoma; Hereditary cutaneous melanoma. Identifiers: Orphanet 618, MedGen C1512419, MONDO:0018961.

Submissions (2):

Women's Health and Genetics/Laboratory Corporation of America, LabCorp
Classification: Uncertain significance. Last evaluated: 2025-11-18. Review status: criteria provided, single submitter. Criteria: LabCorp Variant Classification Summary - May 2015. Collection method: clinical testing. Allele origin: germline.
Comment: Variant summary: CDKN2A c.150G>T (p.Gln50His) results in a non-conservative amino acid change in the encoded protein sequence. Algorithms developed to predict the effect of missense changes on protein structure and function are either unavailable or do not agree on the potential impact of this missense change. Several computational tools predict a significant impact on normal splicing: One predict the variant abolishes a 5 splicing donor site. Three predict the variant weakens a 5' donor site. However, these predictions have yet to be confirmed by functional studies. The variant was absent in 249628 control chromosomes. These data do not allow any conclusion about variant significance. To our knowledge, no experimental evidence demonstrating an impact on protein function has been reported. A different missense change affecting the same codon (c.149A>G, p.Gln50Arg) has been classified as likely pathogenic by our own lab. The following publication have been ascertained in the context of this evaluation (PMID: 38961426). ClinVar contains an entry for this variant (Variation ID: 376384). Based on the evidence outlined above, the variant was classified as VUS-possibly pathogenic.

Labcorp Genetics (formerly Invitae), Labcorp
Classification: Uncertain significance for Familial melanoma. Last evaluated: 2021-11-05. Review status: criteria provided, single submitter. Criteria: Invitae Variant Classification Sherloc (09022015). Collection method: clinical testing. Allele origin: germline.
Comment: This variant is not present in population databases (gnomAD no frequency). This sequence change replaces glutamine, which is neutral and polar, with histidine, which is basic and polar, at codon 50 of the CDKN2A (p16INK4a) protein (p.Gln50His). This variant also falls at the last nucleotide of exon 1, which is part of the consensus splice site for this exon. In summary, the available evidence is currently insufficient to determine the role of this variant in disease. Therefore, it has been classified as a Variant of Uncertain Significance. Variants that disrupt the consensus splice site are a relatively common cause of aberrant splicing (PMID: 17576681, 9536098). Algorithms developed to predict the effect of sequence changes on RNA splicing suggest that this variant may disrupt the consensus splice site. Algorithms developed to predict the effect of missense changes on protein structure and function are either unavailable or do not agree on the potential impact of this missense change (SIFT: "Deleterious"; PolyPhen-2: "Probably Damaging"; Align-GVGD: "Class C0"). ClinVar contains an entry for this variant (Variation ID: 376384). This variant has not been reported in the literature in individuals affected with CDKN2A (p16INK4a)-related conditions.

Literature cited by the submitters: PubMed 38961426 (cited by Women's Health and Genetics/Laboratory Corporation of America, LabCorp); PubMed 17576681 (cited by Labcorp Genetics (formerly Invitae), Labcorp); PubMed 9536098 (cited by Labcorp Genetics (formerly Invitae), Labcorp).

NM_000077.5(CDKN2A):c.150G>T (p.Gln50His)

Gene: CDKN2A (cyclin dependent kinase inhibitor 2A; minus strand). Cytogenetic location: 9p21.3.
Variant type: single nucleotide variant.
Coding change: c.150G>T on transcript NM_000077.5; coding-DNA position 150, G replaced by T.
Protein change: p.Gln50His; replaces glutamine 50 with histidine.
Molecular consequence: missense variant (on NM_000077.6). On other transcripts: intron variant (2).
Genome position (GRCh38, 1-based): chr9:21,974,678, C>A on the plus strand (G>T on the coding strand, the complement: CDKN2A is on the minus strand). VCF-style: chr9-21974678-C-A. GRCh37 (hg19) VCF-style: chr9-21974677-C-A.
Other names: c.150G>T, p.Gln50His (NM_000077.6, NM_001195132.2, NM_058197.5); c.-3-3470G>T (NM_001363763.2); c.194-3470G>T (NM_058195.4); short protein forms Q50H.
Identifiers: ClinVar variation 376384 (VCV000376384.11), dbSNP rs1057519882, ClinGen allele CA16602823.